The following is an entry in ClinVar:

NM_001292034.3(TAB2):c.251C>T (p.Ser84Leu)

Gene: TAB2 (TGF-beta activated kinase 1 (MAP3K7) binding protein 2; plus strand). Cytogenetic location: 6q25.1.
Variant type: single nucleotide variant.
Coding change: c.251C>T on transcript NM_001292034.3 (MANE Select); coding-DNA position 251, C replaced by T.
Protein change: p.Ser84Leu; replaces serine 84 with leucine.
Molecular consequence: missense variant.
Genome position (GRCh38, 1-based): chr6:149,378,166, C>T. VCF-style: chr6-149378166-C-T. GRCh37 (hg19) VCF-style: chr6-149699302-C-T.
Other names: c.155C>T, p.Ser52Leu (NM_001292035.3); c.251C>T, p.Ser84Leu (NM_001369506.1, NM_015093.6); short protein forms S52L, S84L.
Identifiers: ClinVar variation 2446657 (VCV002446657.1), dbSNP rs1057518437, ClinGen allele CA365993159.
Genomic context (GRCh38, chr6:149,378,166, plus strand): 5'-ATGATTCTGGAATTTCTGGTCTACGCAATCACATGACTTCTCTCAACTTGGACTTGCAAT[C>T]ACAGAACATTTACCACCATGGAAGAGAAGGAAGTAGGATGAATGGAAGTAGGACTCTAAC-3'
Protein context (NP_001278963.1, residues 74-94): HMTSLNLDLQ[Ser84Leu]QNIYHHGREG

ClinVar aggregate classification (germline): Uncertain significance (1 of 4 stars; one submission).

Submission:

GeneDx
Classification: Uncertain significance. Last evaluated: 2022-09-29. Review status: criteria provided, single submitter. Criteria: GeneDx Variant Classification Process June 2021. Collection method: clinical testing. Allele origin: germline. Affected: yes.
Comment: Has not been previously published as pathogenic or benign to our knowledge; Not observed at significant frequency in large population cohorts (gnomAD); In silico analysis supports that this missense variant does not alter protein structure/function